The following is an entry in ClinVar:

NM_001321075.3(DLG4):c.1102C>T (p.Arg368Ter)

Genes: DLG4 (discs large MAGUK scaffold protein 4; minus strand), LOC126862479 (MED14-independent group 3 enhancer GRCh37_chr17:7099412-7100611; plus strand). Cytogenetic location: 17p13.1.
Variant type: single nucleotide variant.
Coding change: c.1102C>T on transcript NM_001321075.3 (MANE Select); coding-DNA position 1102, C replaced by T.
Protein change: p.Arg368Ter; replaces arginine 368 with a stop codon.
Molecular consequence: nonsense. On other transcripts: non-coding transcript variant (1).
Genome position (GRCh38, 1-based): chr17:7,196,557, G>A on the plus strand (C>T on the coding strand, the complement: DLG4 is on the minus strand). VCF-style: chr17-7196557-G-A. GRCh37 (hg19) VCF-style: chr17-7099876-G-A.
Other names: c.1093C>T, p.Arg365Ter (NM_001128827.4); c.1222C>T, p.Arg408Ter (NM_001321074.1); c.922C>T, p.Arg308Ter (NM_001321076.3, NM_001321077.3); c.1231C>T, p.Arg411Ter (NM_001365.5); c.1021C>T, p.Arg341Ter (NM_001369566.3); short protein forms R411*, R408*, R308*, R365*, R341*, R368*.
Identifiers: ClinVar variation 813880 (VCV000813880.8), dbSNP rs1597452702, ClinGen allele CA397716394.
Genomic context (GRCh38, chr17:7,196,557, plus strand): 5'-TCGTGACCGTCTGACCCGCATTCTTCAGGGCAATGGCAGCCTGCTCATGGCTGGCATTTC[G>A]GAGGTCCACACCGTTGACCTAGAGAGAGGACGACAGGCTGTGTCACCAGAGACAGGAGGC-3'

ClinVar aggregate classification (germline): Pathogenic. Review status: criteria provided, multiple submitters, no conflicts (2 of 4 stars). 5 submissions from 5 submitters: Pathogenic (4). 1 of the submissions does not count toward it. Last evaluated 2023-03-24.

Conditions:
Intellectual developmental disorder 62. Also called: MENTAL RETARDATION, AUTOSOMAL DOMINANT 62; INTELLECTUAL DEVELOPMENTAL DISORDER, AUTOSOMAL DOMINANT 62. Identifiers: MedGen C5394083, MONDO:0032919, OMIM 618793.

Submissions (5):

GeneDx
Classification: Pathogenic. Last evaluated: 2023-03-24. Review status: criteria provided, single submitter. Criteria: GeneDx Variant Classification Process June 2021. Collection method: clinical testing. Allele origin: germline. Affected: yes.
Comment: Nonsense variant predicted to result in protein truncation or nonsense mediated decay in a gene for which loss of function is a known mechanism of disease; Not observed at significant frequency in large population cohorts (gnomAD); This variant is associated with the following publications: (PMID: 33597769, 27479843)

Tumer Group, Copenhagen University Hospital, Rigshospitalet
Classification: Pathogenic for Intellectual developmental disorder 62. Last evaluated: 2023-02-28. Review status: criteria provided, single submitter. Criteria: ACMG Guidelines, 2015. Collection method: research. Allele origin: de novo. Affected: yes.

Institute of Human Genetics, University of Leipzig Medical Center
Classification: Pathogenic for Intellectual developmental disorder 62. Last evaluated: 2021-12-21. Review status: criteria provided, single submitter. Criteria: ACMG Guidelines, 2015. Collection method: research. Allele origin: de novo. Affected: yes.

Juno Genomics, Hangzhou Juno Genomics, Inc
Classification: Pathogenic for Intellectual developmental disorder 62. Review status: criteria provided, single submitter. Criteria: ACMG Guidelines, 2015. Collection method: clinical testing. Allele origin: germline. Affected: yes.
Comment: Absent from controls (or at extremely low frequency if recessive) in Genome Aggregation Database, Exome Sequencing Project, 1000 Genomes Project, or Exome Aggregation Consortium.;Null variant in a gene where loss of function (LOF) is a known mechanism of disease.;Assumed de novo, but without confirmation of paternity and maternity.;The prevalence of the variant in affected individuals is significantly increased compared to the prevalence in controls.

OMIM
Classification: Pathogenic for INTELLECTUAL DEVELOPMENTAL DISORDER, AUTOSOMAL DOMINANT 62. Last evaluated: 2020-12-11. Review status: no assertion criteria provided. Collection method: literature only. Allele origin: germline. Not counted in ClinVar's aggregate classification.

Literature cited by the submitters: PubMed 33597769 (cited by Institute of Human Genetics, University of Leipzig Medical Center); PubMed 27479843 (cited by OMIM).